The following is an entry in ClinVar:

NM_001961.4(EEF2):c.1766T>C (p.Val589Ala)

Gene: EEF2 (eukaryotic translation elongation factor 2; minus strand). Cytogenetic location: 19p13.3.
Variant type: single nucleotide variant.
Coding change: c.1766T>C on transcript NM_001961.4 (MANE Select); coding-DNA position 1766, T replaced by C.
Protein change: p.Val589Ala; replaces valine 589 with alanine.
Molecular consequence: missense variant.
Genome position (GRCh38, 1-based): chr19:3,978,120, A>G on the plus strand (T>C on the coding strand, the complement: EEF2 is on the minus strand). VCF-style: chr19-3978120-A-G. GRCh37 (hg19) VCF-style: chr19-3978118-A-G.
Other names: short protein forms V589A.
Identifiers: ClinVar variation 2762454 (VCV002762454.3), dbSNP rs2039699854, ClinGen allele CA403391078.
Genomic context (GRCh38, chr19:3,978,120, plus strand): 5'-AAGGGCCGCGCCTTCATGTACAGCCGGTTGTGCTTGTTGGGGGACTTGGAGAGGCAGAGC[A>G]CGTTCGACTCTTCACTGACCGTCTCGCGGTACGAGACGACCGGGTCAGATTTCTGCAAAA-3'
Protein context (NP_001952.1, residues 579-599): YRETVSEESN[Val589Ala]LCLSKSPNKH

ClinVar aggregate classification (germline): Uncertain significance (1 of 4 stars; one submission).

gnomAD v4.1: 1 of 1,502,920 alleles (0.000067%); highest among the groups gnomAD compares: Non-Finnish European, 0.000089%; no homozygotes.

Submission:

Labcorp Genetics (formerly Invitae), Labcorp
Classification: Uncertain significance. Last evaluated: 2023-09-30. Review status: criteria provided, single submitter. Criteria: Invitae Variant Classification Sherloc (09022015). Collection method: clinical testing. Allele origin: germline.
Comment: This sequence change replaces valine, which is neutral and non-polar, with alanine, which is neutral and non-polar, at codon 589 of the EEF2 protein (p.Val589Ala). This variant is not present in population databases (gnomAD no frequency). This variant has not been reported in the literature in individuals affected with EEF2-related conditions. Advanced modeling of protein sequence and biophysical properties (such as structural, functional, and spatial information, amino acid conservation, physicochemical variation, residue mobility, and thermodynamic stability) has been performed at Invitae for this missense variant, however the output from this modeling did not meet the statistical confidence thresholds required to predict the impact of this variant on EEF2 protein function. In summary, the available evidence is currently insufficient to determine the role of this variant in disease. Therefore, it has been classified as a Variant of Uncertain Significance.